The following is an entry in ClinVar:

ClinVar aggregate classification (germline): Uncertain significance (1 of 4 stars; one submission).

Submission:

Labcorp Genetics (formerly Invitae), Labcorp
Classification: Uncertain significance. Last evaluated: 2023-05-25. Review status: criteria provided, single submitter. Criteria: Invitae Variant Classification Sherloc (09022015). Collection method: clinical testing. Allele origin: germline.
Comment: In summary, the available evidence is currently insufficient to determine the role of this variant in disease. Therefore, it has been classified as a Variant of Uncertain Significance. Variants that disrupt the consensus splice site are a relatively common cause of aberrant splicing (PMID: 17576681, 9536098). Algorithms developed to predict the effect of sequence changes on RNA splicing suggest that this variant may create or strengthen a splice site. This variant has not been reported in the literature in individuals affected with NEDD4L-related conditions. This variant is not present in population databases (gnomAD no frequency). This sequence change affects codon 271 of the NEDD4L mRNA. It is a 'silent' change, meaning that it does not change the encoded amino acid sequence of the NEDD4L protein. This variant also falls at the last nucleotide of exon 10, which is part of the consensus splice site for this exon.

Literature cited by the submitters: PubMed 17576681; PubMed 9536098.

NM_001144967.3(NEDD4L):c.813G>A (p.Glu271=)

Gene: NEDD4L (NEDD4 like E3 ubiquitin protein ligase; plus strand). Cytogenetic location: 18q21.31.
Variant type: single nucleotide variant.
Coding change: c.813G>A on transcript NM_001144967.3 (MANE Select); coding-DNA position 813, G replaced by A.
Protein change: p.Glu271=; no amino-acid change (glutamic acid 271 retained).
Molecular consequence: synonymous variant.
Genome position (GRCh38, 1-based): chr18:58,329,127, G>A. VCF-style: chr18-58329127-G-A. GRCh37 (hg19) VCF-style: chr18-55996359-G-A.
Other names: c.789G>A, p.Glu263= (NM_001144969.2, NM_001144968.2); c.450G>A, p.Glu150= (NM_001144970.3, NM_001144971.2, NM_001144964.1 and 2 more transcripts); c.813G>A, p.Glu271= (NM_001243960.2, NM_015277.6).
Identifiers: ClinVar variation 2717958 (VCV002717958.3), dbSNP rs2516329119, ClinGen allele CA504021174.